The following is an entry in ClinVar:

ClinVar aggregate classification (germline): Uncertain significance. Review status: criteria provided, multiple submitters, no conflicts (2 of 4 stars). 2 submissions from 2 submitters: Uncertain significance (2). Last evaluated 2024-09-09.

Conditions:
Neurodevelopmental disorder with or without hyperkinetic movements and seizures, autosomal dominant. Also called: Intellectual disability, autosomal dominant 8. Identifiers: MedGen C3280282, MONDO:0013655, OMIM 614254.

Allele frequency attached by ClinVar (database versions not stated): gnomAD exomes below 0.00001.

Submissions (2):

Labcorp Genetics (formerly Invitae), Labcorp
Classification: Uncertain significance for Neurodevelopmental disorder with or without hyperkinetic movements and seizures, autosomal dominant. Last evaluated: 2024-09-09. Review status: criteria provided, single submitter. Criteria: Invitae Variant Classification Sherloc (09022015). Collection method: clinical testing. Allele origin: germline.
Comment: This sequence change replaces isoleucine, which is neutral and non-polar, with threonine, which is neutral and polar, at codon 776 of the GRIN1 protein (p.Ile776Thr). This variant is not present in population databases (gnomAD no frequency). This variant has not been reported in the literature in individuals affected with GRIN1-related conditions. ClinVar contains an entry for this variant (Variation ID: 1253810). Invitae Evidence Modeling of protein sequence and biophysical properties (such as structural, functional, and spatial information, amino acid conservation, physicochemical variation, residue mobility, and thermodynamic stability) has been performed for this missense variant. However, the output from this modeling did not meet the statistical confidence thresholds required to predict the impact of this variant on GRIN1 protein function. In summary, the available evidence is currently insufficient to determine the role of this variant in disease. Therefore, it has been classified as a Variant of Uncertain Significance.

GeneDx
Classification: Uncertain significance. Last evaluated: 2021-06-23. Review status: criteria provided, single submitter. Criteria: GeneDx Variant Classification Process June 2021. Collection method: clinical testing. Allele origin: germline. Affected: yes.
Comment: Has not been previously published as pathogenic or benign to our knowledge; In silico analysis supports that this missense variant has a deleterious effect on protein structure/function; Not observed in large population cohorts (Lek et al., 2016)

NM_007327.4(GRIN1):c.2327T>C (p.Ile776Thr)

Gene: GRIN1 (glutamate ionotropic receptor NMDA type subunit 1; plus strand). Cytogenetic location: 9q34.3.
Variant type: single nucleotide variant.
Coding change: c.2327T>C on transcript NM_007327.4 (MANE Select); coding-DNA position 2327, T replaced by C.
Protein change: p.Ile776Thr; replaces isoleucine 776 with threonine.
Molecular consequence: missense variant.
Genome position (GRCh38, 1-based): chr9:137,163,324, T>C. VCF-style: chr9-137163324-T-C. GRCh37 (hg19) VCF-style: chr9-140057776-T-C.
Other names: c.2327T>C, p.Ile776Thr (NM_000832.7, NM_021569.4); c.2390T>C, p.Ile797Thr (NM_001185090.2, NM_001185091.2); short protein forms I776T, I797T.
Identifiers: ClinVar variation 1253810 (VCV001253810.4), dbSNP rs2131301519, ClinGen allele CA375724718.